The following is an entry in ClinVar:

ClinVar aggregate classification (germline): Benign/Likely benign. Review status: criteria provided, multiple submitters, no conflicts (2 of 4 stars). 13 submissions from 13 submitters: Benign (3); Likely benign (10). Last evaluated 2026-01-16.

Conditions:
Type 2 diabetes mellitus. Also called: Type II diabetes mellitus. Identifiers: MedGen C0011860, MeSH D003924, MONDO:0005148, OMIM 125853, HP:0005978.
Renal cysts and diabetes syndrome (RCAD). Also called: Familial hypoplastic, glomerulocystic kidney; MATURITY-ONSET DIABETES OF THE YOUNG, TYPE 5. Identifiers: Orphanet 93111, MedGen C0431693, MONDO:0007669, OMIM 137920.
Nonpapillary renal cell carcinoma. Identifiers: Orphanet 422526, MedGen CN074294, MONDO:0007763, OMIM 144700.
Maturity-onset diabetes of the young (MODY). Also called: Maturity onset diabetes mellitus in young. Identifiers: Orphanet 552, MedGen C0342276, MONDO:0018911, HP:0004904.

Allele frequency attached by ClinVar (database versions not stated): ESP Exome Variant Server 0.00008; TOPMed 0.00023.
gnomAD v4.1: 311 of 1,614,118 alleles (0.019%); highest among the groups gnomAD compares: Middle Eastern, 0.18%; 1 homozygote.

Submissions (13):

Labcorp Genetics (formerly Invitae), Labcorp
Classification: Likely benign. Last evaluated: 2026-01-16. Review status: criteria provided, single submitter. Criteria: Invitae Variant Classification Sherloc (09022015). Collection method: clinical testing. Allele origin: germline.

CeGaT Center for Human Genetics Tuebingen
Classification: Likely benign. Last evaluated: 2025-11-01. Review status: criteria provided, single submitter. Criteria: CeGaT Center For Human Genetics Tuebingen Variant Classification Criteria Version 2. Collection method: clinical testing. Allele origin: germline. Affected: yes. Observed: 3 variant alleles.
Comment: HNF1B: BP4, BP7

Blueprint Genetics
Classification: Likely benign. Last evaluated: 2024-11-25. Review status: criteria provided, single submitter. Criteria: ACMG Guidelines, 2015. Collection method: clinical testing. Allele origin: germline.

Women's Health and Genetics/Laboratory Corporation of America, LabCorp
Classification: Benign. Last evaluated: 2023-05-12. Review status: criteria provided, single submitter. Criteria: LabCorp Variant Classification Summary - May 2015. Collection method: clinical testing. Allele origin: germline.

Fulgent Genetics
Classification: Likely benign for Type 2 diabetes mellitus; Renal cysts and diabetes syndrome; Nonpapillary renal cell carcinoma. Last evaluated: 2021-11-04. Review status: criteria provided, single submitter. Criteria: ACMG Guidelines, 2015. Collection method: clinical testing. Allele origin: unknown.

Athena Diagnostics
Classification: Benign. Last evaluated: 2018-08-13. Review status: criteria provided, single submitter. Criteria: Athena Diagnostics Criteria. Collection method: clinical testing. Allele origin: germline.

Eurofins Ntd Llc (ga)
Classification: Likely benign. Last evaluated: 2018-03-27. Review status: criteria provided, single submitter. Criteria: EGL ClinVar v180209 classification definitions. Collection method: clinical testing. Allele origin: germline. Observed: 1 variant allele, 1 heterozygote.

Ambry Genetics
Classification: Likely benign for Maturity-onset diabetes of the young. Last evaluated: 2018-01-24. Review status: criteria provided, single submitter. Criteria: Ambry Variant Classification Scheme 2023. Collection method: clinical testing. Allele origin: germline.

Illumina Laboratory Services, Illumina
Classification: Benign for Renal cysts and diabetes syndrome. Last evaluated: 2018-01-12. Review status: criteria provided, single submitter. Criteria: ICSL Variant Classification Criteria 13 December 2019. Collection method: clinical testing. Allele origin: germline.
Comment: This variant was observed in the ICSL laboratory as part of a predisposition screen in an ostensibly healthy population. It had not been previously curated by ICSL or reported in the Human Gene Mutation Database (HGMD: prior to June 1st, 2018), and was therefore a candidate for classification through an automated scoring system. Utilizing variant allele frequency, disease prevalence and penetrance estimates, and inheritance mode, an automated score was calculated to assess if this variant is too frequent to cause the disease. Based on the score and internal cut-off values, a variant classified as benign is not then subjected to further curation. The score for this variant resulted in a classification of benign for this disease.

Genetic Services Laboratory, University of Chicago
Classification: Likely benign. Last evaluated: 2017-09-19. Review status: criteria provided, single submitter. Criteria: ACMG Guidelines, 2015. Collection method: clinical testing. Allele origin: germline. Affected: no.

GeneDx
Classification: Likely benign. Last evaluated: 2017-08-14. Review status: criteria provided, single submitter. Criteria: GeneDx Variant Classification (06012015). Collection method: clinical testing. Allele origin: germline. Affected: yes.
Comment: This variant is considered likely benign or benign based on one or more of the following criteria: it is a conservative change, it occurs at a poorly conserved position in the protein, it is predicted to be benign by multiple in silico algorithms, and/or has population frequency not consistent with disease.

Breakthrough Genomics
Classification: Likely benign. Review status: criteria provided, single submitter. Criteria: ACMG Guidelines, 2015. Collection method: not provided. Allele origin: germline. Inheritance: Autosomal dominant inheritance. Affected: yes.

Clinical Genomics, Uppaluri K&H Personalized Medicine Clinic
Classification: Likely benign for Maturity-onset diabetes of the young. Review status: criteria provided, single submitter. Criteria: K & H Uppaluri Personalized Medicine Clinic Variant Classification & Assertion Criteria_Updated V.1. Collection method: research. Allele origin: unknown. Inheritance: Autosomal dominant inheritance.
Comment: HNF1B gene mutations are associated with early onset diabetes and pancreatic atrophy. It is also associated with multiple renal manifestations including renal cysts, Tubulointerstitial disease, glomerulocystic disease, renal hypoplasia, hypomagnesemia.However no sufficient evidence is found to ascertain the role of this particular variant rs148713761, yet.

Literature cited by the submitters: PubMed 24897035 (cited by Clinical Genomics, Uppaluri K&H Personalized Medicine Clinic); PubMed 25536396 (cited by Clinical Genomics, Uppaluri K&H Personalized Medicine Clinic); PubMed 27615128 (cited by Clinical Genomics, Uppaluri K&H Personalized Medicine Clinic); PubMed 28215227 (cited by Clinical Genomics, Uppaluri K&H Personalized Medicine Clinic); PubMed 33434175 (cited by Clinical Genomics, Uppaluri K&H Personalized Medicine Clinic); PubMed 25741167 (cited by Clinical Genomics, Uppaluri K&H Personalized Medicine Clinic); PubMed 26340261 (cited by Clinical Genomics, Uppaluri K&H Personalized Medicine Clinic); PubMed 19639018 (cited by Clinical Genomics, Uppaluri K&H Personalized Medicine Clinic).

NM_000458.4(HNF1B):c.657C>T (p.Ser219=)

Genes: HNF1B (HNF1 homeobox B; minus strand), LOC126862549 (BRD4-independent group 4 enhancer GRCh37_chr17:36093401-36094600; plus strand). Cytogenetic location: 17q12.
Variant type: single nucleotide variant.
Coding change: c.657C>T on transcript NM_000458.4 (MANE Select); coding-DNA position 657, C replaced by T.
Protein change: p.Ser219=; no amino-acid change (serine 219 retained).
Molecular consequence: synonymous variant.
Genome position (GRCh38, 1-based): chr17:37,733,709, G>A on the plus strand (C>T on the coding strand, the complement: HNF1B is on the minus strand). VCF-style: chr17-37733709-G-A. GRCh37 (hg19) VCF-style: chr17-36093702-G-A.
Other names: c.579C>T, p.Ser193= (NM_001165923.4, NM_001304286.2).
Identifiers: ClinVar variation 511470 (VCV000511470.52), dbSNP rs148713761, ClinGen allele CA8519035.